The following is an entry in ClinVar:

NM_000553.6(WRN):c.1513A>G (p.Thr505Ala)

Gene: WRN (WRN RecQ like helicase; plus strand). Cytogenetic location: 8p12.
Variant type: single nucleotide variant.
Coding change: c.1513A>G on transcript NM_000553.6 (MANE Select); coding-DNA position 1513, A replaced by G.
Protein change: p.Thr505Ala; replaces threonine 505 with alanine.
Molecular consequence: missense variant.
Genome position (GRCh38, 1-based): chr8:31,087,857, A>G. VCF-style: chr8-31087857-A-G. GRCh37 (hg19) VCF-style: chr8-30945373-A-G.
Other names: short protein forms T505A.
Identifiers: ClinVar variation 2816680 (VCV002816680.3), dbSNP rs777679266, ClinGen allele CA370924525.

ClinVar aggregate classification (germline): Uncertain significance (1 of 4 stars; one submission).

Conditions:
Werner syndrome (WRN). Identifiers: Orphanet 902, MedGen C0043119, MONDO:0010196, OMIM 277700.

gnomAD v4.1: 1 of 1,613,662 alleles (0.000062%); highest among the groups gnomAD compares: Non-Finnish European, 0.000085%; no homozygotes.

Submission:

Labcorp Genetics (formerly Invitae), Labcorp
Classification: Uncertain significance for Werner syndrome. Last evaluated: 2022-11-28. Review status: criteria provided, single submitter. Criteria: Invitae Variant Classification Sherloc (09022015). Collection method: clinical testing. Allele origin: germline.
Comment: This variant is not present in population databases (gnomAD no frequency). This variant has not been reported in the literature in individuals affected with WRN-related conditions. Algorithms developed to predict the effect of missense changes on protein structure and function output the following: SIFT: "Not Available"; PolyPhen-2: "Benign"; Align-GVGD: "Not Available". The alanine amino acid residue is found in multiple mammalian species, which suggests that this missense change does not adversely affect protein function. In summary, the available evidence is currently insufficient to determine the role of this variant in disease. Therefore, it has been classified as a Variant of Uncertain Significance. This sequence change replaces threonine, which is neutral and polar, with alanine, which is neutral and non-polar, at codon 505 of the WRN protein (p.Thr505Ala).